The following is an entry in ClinVar:

NM_001174150.2(ARL13B):c.120A>G (p.Gly40=)

Gene: ARL13B (ARF like GTPase 13B; plus strand). Cytogenetic location: 3q11.1.
Variant type: single nucleotide variant.
Coding change: c.120A>G on transcript NM_001174150.2 (MANE Select); coding-DNA position 120, A replaced by G.
Protein change: p.Gly40=; no amino-acid change (glycine 40 retained).
Molecular consequence: synonymous variant. On other transcripts: 5 prime UTR variant (1), non-coding transcript variant (2), intron variant (2).
Genome position (GRCh38, 1-based): chr3:93,995,934, A>G. VCF-style: chr3-93995934-A-G. GRCh37 (hg19) VCF-style: chr3-93714778-A-G.
Other names: c.-48A>G (NM_001321328.2); c.120A>G, p.Gly40= (NM_182896.3); c.-179-7725A>G (NM_001174151.2); c.59+15452A>G (NM_144996.4).
Identifiers: ClinVar variation 698389 (VCV000698389.32), dbSNP rs774691904, ClinGen allele CA2503764.
Genomic context (GRCh38, chr3:93,995,934, plus strand): 5'-AAAGGTGACTCTTTTGATGGTGGGACTTGATAATGCTGGTAAAACCGCAACAGCAAAGGG[A>G]ATCCAAGGAGGTAAGCTGAAAACATTTATGTGCTTTCTGAACTCTATTAAATTATTCTGA-3'
Protein context (NP_001167621.1, residues 30-50): DNAGKTATAK[Gly40=]IQGEYPEDVA

ClinVar aggregate classification (germline): Likely benign. Review status: criteria provided, multiple submitters, no conflicts (2 of 4 stars). 3 submissions from 3 submitters: Likely benign (3). Last evaluated 2025-05-27.

Conditions:
Joubert syndrome 8 (JBTS8). Identifiers: Orphanet 475, MedGen C2676771, MONDO:0012855, OMIM 612291.

Allele frequency attached by ClinVar (database versions not stated): gnomAD exomes 0.00002 and 0.00004; TOPMed 0.00002; ExAC 0.00003; gnomAD 0.00003.
gnomAD v4.1: 35 of 1,613,102 alleles (0.0022%); highest among the groups gnomAD compares: Admixed American, 0.012%; no homozygotes.

Submissions (3):

Labcorp Genetics (formerly Invitae), Labcorp
Classification: Likely benign for Joubert syndrome 8. Last evaluated: 2025-05-27. Review status: criteria provided, single submitter. Criteria: Invitae Variant Classification Sherloc (09022015). Collection method: clinical testing. Allele origin: germline.

Blueprint Genetics
Classification: Likely benign. Last evaluated: 2024-11-21. Review status: criteria provided, single submitter. Criteria: ACMG Guidelines, 2015. Collection method: clinical testing. Allele origin: germline.

CeGaT Center for Human Genetics Tuebingen
Classification: Likely benign. Last evaluated: 2024-01-01. Review status: criteria provided, single submitter. Criteria: CeGaT Center For Human Genetics Tuebingen Variant Classification Criteria Version 2. Collection method: clinical testing. Allele origin: germline. Affected: yes. Observed: 1 variant allele.
Comment: ARL13B: BP4, BP7